The following is an entry in ClinVar:

ClinVar aggregate classification (germline): Uncertain significance (1 of 4 stars; one submission).

Allele frequency attached by ClinVar (database versions not stated): gnomAD exomes below 0.00001; ExAC 0.00001; TOPMed 0.00001.
gnomAD v4.1: 2 of 1,609,778 alleles (0.00012%); highest among the groups gnomAD compares: Non-Finnish European, 0.000085%; no homozygotes.

Submission:

Labcorp Genetics (formerly Invitae), Labcorp
Classification: Uncertain significance. Last evaluated: 2021-10-13. Review status: criteria provided, single submitter. Criteria: Invitae Variant Classification Sherloc (09022015). Collection method: clinical testing. Allele origin: germline.
Comment: This sequence change creates a premature translational stop signal (p.Ser82*) in the TNNI3K gene. It is expected to result in an absent or disrupted protein product. However, the current clinical and genetic evidence is not sufficient to establish whether loss-of-function variants in TNNI3K cause disease. In summary, the available evidence is currently insufficient to determine the role of this variant in disease. Therefore, it has been classified as a Variant of Uncertain Significance. This variant has not been reported in the literature in individuals affected with TNNI3K-related conditions. This variant is present in population databases (rs201209296, ExAC 0.002%).

NM_015978.3(TNNI3K):c.245C>G (p.Ser82Ter)

Genes: FPGT-TNNI3K (FPGT-TNNI3K readthrough; plus strand), TNNI3K (TNNI3 interacting kinase; plus strand). Cytogenetic location: 1p31.1.
Variant type: single nucleotide variant.
Coding change: c.245C>G on transcript NM_015978.3 (MANE Select); coding-DNA position 245, C replaced by G.
Protein change: p.Ser82Ter; replaces serine 82 with a stop codon.
Molecular consequence: nonsense.
Genome position (GRCh38, 1-based): chr1:74,250,681, C>G. VCF-style: chr1-74250681-C-G. GRCh37 (hg19) VCF-style: chr1-74716365-C-G.
Other names: c.548C>G, p.Ser183Ter (NM_001112808.3, NM_001199327.2); short protein forms S183*, S82*.
Identifiers: ClinVar variation 1419881 (VCV001419881.6), dbSNP rs201209296, ClinGen allele CA908833.